The following is an entry in ClinVar:

NM_000393.5(COL5A2):c.3472-11T>G

Gene: COL5A2 (collagen type V alpha 2 chain; minus strand). Cytogenetic location: 2q32.2.
Variant type: single nucleotide variant.
Coding change: c.3472-11T>G on transcript NM_000393.5 (MANE Select); 11 bases into the intron before coding-DNA position 3472, T replaced by G.
Molecular consequence: intron variant.
Genome position (GRCh38, 1-based): chr2:189,042,784, A>C on the plus strand (T>G on the coding strand, the complement: COL5A2 is on the minus strand). VCF-style: chr2-189042784-A-C. GRCh37 (hg19) VCF-style: chr2-189907510-A-C.
Identifiers: ClinVar variation 1708793 (VCV001708793.2), dbSNP rs2469230809, ClinGen allele CA2580065327.
Genomic context (GRCh38, chr2:189,042,784, plus strand): 5'-GGGCCAAATGGTCCAGGGATTCCAGCACTTCCTTGTTCACCATTTGGACCCTAAGTAGGA[A>C]TACAATAAAAAATGTTGCCAAAATATTTGGATCCTGCATTGTGCCATTCTCAAAAATGTG-3'

ClinVar aggregate classification (germline): Uncertain significance (1 of 4 stars; one submission).

Submission:

GeneDx
Classification: Uncertain significance. Last evaluated: 2022-04-08. Review status: criteria provided, single submitter. Criteria: GeneDx Variant Classification Process June 2021. Collection method: clinical testing. Allele origin: germline. Affected: yes.
Comment: Not observed at significant frequency in large population cohorts (gnomAD); In silico analysis supports a deleterious effect on splicing; Has not been previously published as pathogenic or benign to our knowledge